The following is an entry in ClinVar:

NM_003482.4(KMT2D):c.6518C>T (p.Ser2173Leu)

Gene: KMT2D (lysine methyltransferase 2D; minus strand). Cytogenetic location: 12q13.12.
Variant type: single nucleotide variant.
Coding change: c.6518C>T on transcript NM_003482.4 (MANE Select); coding-DNA position 6518, C replaced by T.
Protein change: p.Ser2173Leu; replaces serine 2173 with leucine.
Molecular consequence: missense variant.
Genome position (GRCh38, 1-based): chr12:49,041,252, G>A on the plus strand (C>T on the coding strand, the complement: KMT2D is on the minus strand). VCF-style: chr12-49041252-G-A. GRCh37 (hg19) VCF-style: chr12-49435035-G-A.
Other names: short protein forms S2173L.
Identifiers: ClinVar variation 531879 (VCV000531879.19), dbSNP rs765654409, ClinGen allele CA6547247.

ClinVar aggregate classification (germline): Conflicting classifications of pathogenicity. Review status: criteria provided, conflicting classifications (1 of 4 stars). 5 submissions from 4 submitters: Uncertain significance (3); Benign (1); Likely benign (1). Last evaluated 2025-07-01.

Conditions:
Kabuki syndrome. Also called: NIIKAWA-KUROKI SYNDROME; Kabuki make-up syndrome. Identifiers: Orphanet 2322, MedGen C0796004, MONDO:0016512.
Kabuki syndrome 1 (KABUK1). Also called: KMT2D-Related Kabuki Syndrome. Identifiers: Orphanet 2322, MedGen CN030661, MONDO:0007843, OMIM 147920.
Choanal atresia-athelia-hypothyroidism-delayed puberty-short stature syndrome (BCAHH). Also called: BRANCHIAL ARCH ABNORMALITIES, CHOANAL ATRESIA, ATHELIA, HEARING LOSS, AND HYPOTHYROIDISM SYNDROME. Identifiers: Orphanet 589856, MedGen C5680310, MONDO:0035651, OMIM 620186.
KMT2D-related disorder. Also called: KMT2D-Related Disorders.

Allele frequency attached by ClinVar (database versions not stated): gnomAD 0.00003 and 0.00004; gnomAD exomes 0.00003 and 0.00005; TOPMed 0.00004; ExAC 0.00007.
gnomAD v4.1: 49 of 1,516,116 alleles (0.0032%); highest among the groups gnomAD compares: Middle Eastern, 0.018%; no homozygotes.

Submissions (5):

CeGaT Center for Human Genetics Tuebingen
Classification: Likely benign. Last evaluated: 2025-07-01. Review status: criteria provided, single submitter. Criteria: CeGaT Center For Human Genetics Tuebingen Variant Classification Criteria Version 2. Collection method: clinical testing. Allele origin: germline. Affected: yes. Observed: 1 variant allele.
Comment: KMT2D: BS2

Labcorp Genetics (formerly Invitae), Labcorp
Classification: Benign for Kabuki syndrome. Last evaluated: 2025-02-05. Review status: criteria provided, single submitter. Criteria: Invitae Variant Classification Sherloc (09022015). Collection method: clinical testing. Allele origin: germline.

Fulgent Genetics
Classification: Uncertain significance for Kabuki syndrome 1; Choanal atresia-athelia-hypothyroidism-delayed puberty-short stature syndrome. Last evaluated: 2024-03-07. Review status: criteria provided, single submitter. Criteria: ACMG Guidelines, 2015. Collection method: clinical testing. Allele origin: germline.

PreventionGenetics, part of Exact Sciences
Classification: Uncertain significance for KMT2D-related condition. Last evaluated: 2023-06-07. Review status: criteria provided, single submitter. Criteria: ACMG Guidelines, 2015. Collection method: clinical testing. Allele origin: germline.
Comment: The KMT2D c.6518C>T variant is predicted to result in the amino acid substitution p.Ser2173Leu. To our knowledge, this variant has not been reported in the literature. This variant is reported in 0.023% of alleles in individuals of South Asian descent in gnomAD. Although we suspect that this variant may be benign, at this time, the clinical significance of this variant is uncertain due to the absence of conclusive functional and genetic evidence.

Fulgent Genetics
Classification: Uncertain significance for Kabuki syndrome 1. Last evaluated: 2018-10-31. Review status: criteria provided, single submitter. Criteria: ACMG Guidelines, 2015. Collection method: clinical testing. Allele origin: unknown.